The following is an entry in ClinVar:

NM_002334.4(LRP4):c.1560G>C (p.Trp520Cys)

Gene: LRP4 (LDL receptor related protein 4; minus strand). Cytogenetic location: 11p11.2.
Variant type: single nucleotide variant.
Coding change: c.1560G>C on transcript NM_002334.4 (MANE Select); coding-DNA position 1560, G replaced by C.
Protein change: p.Trp520Cys; replaces tryptophan 520 with cysteine.
Molecular consequence: missense variant.
Genome position (GRCh38, 1-based): chr11:46,893,110, C>G on the plus strand (G>C on the coding strand, the complement: LRP4 is on the minus strand). VCF-style: chr11-46893110-C-G. GRCh37 (hg19) VCF-style: chr11-46914661-C-G.
Other names: short protein forms W520C.
Identifiers: ClinVar variation 2079610 (VCV002079610.4), dbSNP rs1479002757, ClinGen allele CA380284661.
Genomic context (GRCh38, chr11:46,893,110, plus strand): 5'-CAGATTGGCCACCTCAATCCTCGAGGTGCCTGAGTCGGTCCAGTAGAGTTTGTCATGGAC[C>G]CAATCCACAGCCAGGCCCCCTGGTGAGAAGCAGCAGCAAAAAATGTCAAGGAGTCAACCC-3'
Protein context (NP_002325.2, residues 510-530): LESPGGLAVD[Trp520Cys]VHDKLYWTDS

ClinVar aggregate classification (germline): Uncertain significance (1 of 4 stars; one submission).

Conditions:
Sclerosteosis 2 (SOST2). Identifiers: Orphanet 3152, MedGen C3280402, MONDO:0013679, OMIM 614305.
Congenital myasthenic syndrome 17. Identifiers: Orphanet 590, MedGen C4225377, MONDO:0014578, OMIM 616304.
Cenani-Lenz syndactyly syndrome. Also called: CENANI SYNDACTYLISM; SYNDACTYLY, TYPE VII. Identifiers: Orphanet 3258, MedGen C1859309, MONDO:0008931, OMIM 212780.

Allele frequency attached by ClinVar (database versions not stated): TOPMed below 0.00001; gnomAD 0.00001.

Submission:

Labcorp Genetics (formerly Invitae), Labcorp
Classification: Uncertain significance for Cenani-Lenz syndactyly syndrome; Sclerosteosis 2; Congenital myasthenic syndrome 17. Last evaluated: 2022-02-18. Review status: criteria provided, single submitter. Criteria: Invitae Variant Classification Sherloc (09022015). Collection method: clinical testing. Allele origin: germline.
Comment: This variant has not been reported in the literature in individuals affected with LRP4-related conditions. Algorithms developed to predict the effect of missense changes on protein structure and function (SIFT, PolyPhen-2, Align-GVGD) all suggest that this variant is likely to be disruptive. In summary, the available evidence is currently insufficient to determine the role of this variant in disease. Therefore, it has been classified as a Variant of Uncertain Significance. This variant is not present in population databases (gnomAD no frequency). This sequence change replaces tryptophan, which is neutral and slightly polar, with cysteine, which is neutral and slightly polar, at codon 520 of the LRP4 protein (p.Trp520Cys).